The following is an entry in ClinVar:

ClinVar aggregate classification (germline): Likely benign. Review status: criteria provided, multiple submitters, no conflicts (2 of 4 stars). 11 submissions from 11 submitters: Likely benign (7). 4 of the submissions do not count toward it. Last evaluated 2025-11-27.

Conditions:
KCNH2-related disorder. Also called: KCNH2-related condition; KCNH2-related disorders.
Cardiovascular phenotype. Identifiers: MedGen CN230736.
Cardiac arrhythmia. Also called: Cardiac rhythm disease; Arrhythmia. Identifiers: MedGen C0003811, MONDO:0007263, HP:0011675.
Long QT syndrome (LQTS). Identifiers: MedGen C0023976, MeSH D008133, MONDO:0002442. Disease mechanism: loss of function. Inheritance: Various modes of inheritance.

Allele frequency attached by ClinVar (database versions not stated): gnomAD exomes 0.00007 and 0.00011; TOPMed 0.00007; ExAC 0.00005; gnomAD 0.00006 and 0.00007.
gnomAD v4.1: 162 of 1,609,186 alleles (0.01%); highest among the groups gnomAD compares: Non-Finnish European, 0.013%; no homozygotes.

Submissions (11):

Labcorp Genetics (formerly Invitae), Labcorp
Classification: Likely benign for Long QT syndrome. Last evaluated: 2025-11-27. Review status: criteria provided, single submitter. Criteria: Invitae Variant Classification Sherloc (09022015). Collection method: clinical testing. Allele origin: germline.

All of Us Research Program, National Institutes of Health
Classification: Likely benign for Long QT syndrome. Last evaluated: 2024-01-06. Review status: criteria provided, single submitter. Criteria: ACMG Guidelines, 2015. Collection method: clinical testing. Allele origin: germline. Inheritance: Autosomal dominant inheritance. Observed: 18 variant alleles, 18 heterozygotes.
Comment: This study involves interpretation of variants in research participants for the purpose of population health screening. Participant phenotype was not available at the time of variant classification. Additional details can be found in publication PMID: 35346344, PMCID: PMC8962531

Women's Health and Genetics/Laboratory Corporation of America, LabCorp
Classification: Likely benign. Last evaluated: 2023-10-19. Review status: criteria provided, single submitter. Criteria: LabCorp Variant Classification Summary - May 2015. Collection method: clinical testing. Allele origin: germline.

Blueprint Genetics
Classification: Likely benign. Last evaluated: 2021-01-08. Review status: criteria provided, single submitter. Criteria: ACMG Guidelines, 2015. Collection method: clinical testing. Allele origin: germline.

Color Diagnostics, LLC DBA Color Health
Classification: Likely benign for Arrhythmia. Last evaluated: 2018-12-03. Review status: criteria provided, single submitter. Criteria: ACMG Guidelines, 2015. Collection method: clinical testing. Allele origin: germline.

Ambry Genetics
Classification: Likely benign for Cardiovascular phenotype. Last evaluated: 2018-09-17. Review status: criteria provided, single submitter. Criteria: Ambry Variant Classification Scheme 2023. Collection method: clinical testing. Allele origin: germline.

GeneDx
Classification: Likely benign. Last evaluated: 2017-07-24. Review status: criteria provided, single submitter. Criteria: GeneDx Variant Classification (06012015). Collection method: clinical testing. Allele origin: germline. Affected: yes.
Comment: This variant is considered likely benign or benign based on one or more of the following criteria: it is a conservative change, it occurs at a poorly conserved position in the protein, it is predicted to be benign by multiple in silico algorithms, and/or has population frequency not consistent with disease.

PreventionGenetics, part of Exact Sciences
Classification: Likely benign for KCNH2-related condition. Last evaluated: 2024-07-03. Review status: no assertion criteria provided. Collection method: clinical testing. Allele origin: germline. Not counted in ClinVar's aggregate classification.
Comment: This variant is classified as likely benign based on ACMG/AMP sequence variant interpretation guidelines (Richards et al. 2015 PMID: 25741868, with internal and published modifications).

Clinical Genetics, Academic Medical Center
Classification: Benign. Review status: no assertion criteria provided. Collection method: clinical testing. Allele origin: germline. Affected: yes. Study: VKGL Data-share Consensus. Not counted in ClinVar's aggregate classification.

Genome Diagnostics Laboratory, University Medical Center Utrecht
Classification: Likely benign. Review status: no assertion criteria provided. Collection method: clinical testing. Allele origin: germline. Affected: yes. Study: VKGL Data-share Consensus. Not counted in ClinVar's aggregate classification.

Joint Genome Diagnostic Labs from Nijmegen and Maastricht, Radboudumc and MUMC+
Classification: Likely benign. Review status: no assertion criteria provided. Collection method: clinical testing. Allele origin: germline. Affected: yes. Study: VKGL Data-share Consensus. Not counted in ClinVar's aggregate classification.

NM_000238.4(KCNH2):c.2376C>T (p.Gly792=)

Gene: KCNH2 (potassium voltage-gated channel subfamily H member 2; minus strand). Cytogenetic location: 7q36.1.
Variant type: single nucleotide variant.
Coding change: c.2376C>T on transcript NM_000238.4 (MANE Select); coding-DNA position 2376, C replaced by T.
Protein change: p.Gly792=; no amino-acid change (glycine 792 retained).
Molecular consequence: synonymous variant. On other transcripts: non-coding transcript variant (2).
Genome position (GRCh38, 1-based): chr7:150,950,190, G>A on the plus strand (C>T on the coding strand, the complement: KCNH2 is on the minus strand). VCF-style: chr7-150950190-G-A. GRCh37 (hg19) VCF-style: chr7-150647278-G-A.
Other names: c.1356C>T, p.Gly452= (NM_001204798.2, NM_172057.3); c.2088C>T, p.Gly696= (NM_001406753.1, NM_001406756.1); c.2199C>T, p.Gly733= (NM_001406755.1); c.2076C>T, p.Gly692= (NM_001406757.1); c.2376C>T, p.Gly792= (NM_172056.3).
Identifiers: ClinVar variation 377957 (VCV000377957.29), dbSNP rs745993706, ClinGen allele CA031747.